The following is an entry in ClinVar:

NM_000748.3(CHRNB2):c.1058G>A (p.Arg353His)

Gene: CHRNB2 (cholinergic receptor nicotinic beta 2 subunit; plus strand). Cytogenetic location: 1q21.3.
Variant type: single nucleotide variant.
Coding change: c.1058G>A on transcript NM_000748.3 (MANE Select); coding-DNA position 1058, G replaced by A.
Protein change: p.Arg353His; replaces arginine 353 with histidine.
Molecular consequence: missense variant.
Genome position (GRCh38, 1-based): chr1:154,571,881, G>A. VCF-style: chr1-154571881-G-A. GRCh37 (hg19) VCF-style: chr1-154544357-G-A.
Other names: short protein forms R353H.
Identifiers: ClinVar variation 935617 (VCV000935617.4), dbSNP rs200924076, ClinGen allele CA30834882.
Genomic context (GRCh38, chr1:154,571,881, plus strand): 5'-CCTGGGTGAAGGTCGTCTTCCTGGAGAAGCTGCCCGCGCTGCTCTTCATGCAGCAGCCAC[G>A]CCATCATTGCGCCCGTCAGCGCCTGCGCCTGCGGCGACGCCAGCGTGAGCGCGAGGGCGC-3'
Protein context (NP_000739.1, residues 343-363): LPALLFMQQP[Arg353His]HHCARQRLRL

ClinVar aggregate classification (germline): Uncertain significance (1 of 4 stars; one submission).

Conditions:
Familial sleep-related hypermotor epilepsy. Also called: Autosomal Dominant Sleep-Related Hypermotor (Hyperkinetic) Epilepsy. Identifiers: Orphanet 98784, MedGen C3696898, MONDO:0000030.

Allele frequency attached by ClinVar (database versions not stated): gnomAD 0.00001; TOPMed 0.00002.
gnomAD v4.1: 2 of 1,596,680 alleles (0.00013%); highest among the groups gnomAD compares: African/African-American, 0.0027%; no homozygotes.

Submission:

Labcorp Genetics (formerly Invitae), Labcorp
Classification: Uncertain significance. Last evaluated: 2021-08-30. Review status: criteria provided, single submitter. Criteria: Invitae Variant Classification Sherloc (09022015). Collection method: clinical testing. Allele origin: germline.
Comment: This sequence change replaces arginine with histidine at codon 353 of the CHRNB2 protein (p.Arg353His). The arginine residue is highly conserved and there is a small physicochemical difference between arginine and histidine. This variant is not present in population databases (ExAC no frequency). This variant has not been reported in the literature in individuals affected with CHRNB2-related conditions. Algorithms developed to predict the effect of missense changes on protein structure and function are either unavailable or do not agree on the potential impact of this missense change (SIFT: "Deleterious"; PolyPhen-2: "Benign"; Align-GVGD: "Class C0"). In summary, the available evidence is currently insufficient to determine the role of this variant in disease. Therefore, it has been classified as a Variant of Uncertain Significance.